The following is an entry in ClinVar:

NM_001001331.4(ATP2B2):c.656-3C>T

Gene: ATP2B2 (ATPase plasma membrane Ca2+ transporting 2; minus strand). Cytogenetic location: 3p25.3.
Variant type: single nucleotide variant.
Coding change: c.656-3C>T on transcript NM_001001331.4 (MANE Select); 3 bases into the intron before coding-DNA position 656, C replaced by T.
Molecular consequence: intron variant.
Genome position (GRCh38, 1-based): chr3:10,401,081, G>A on the plus strand (C>T on the coding strand, the complement: ATP2B2 is on the minus strand). VCF-style: chr3-10401081-G-A. GRCh37 (hg19) VCF-style: chr3-10442765-G-A.
Other names: c.656-3C>T (NM_001353564.1, NM_001683.5, NM_001330611.3 and 1 more transcripts).
Identifiers: ClinVar variation 2672929 (VCV002672929.23), dbSNP rs768979754, ClinGen allele CA2253954.

ClinVar aggregate classification (germline): Uncertain significance (1 of 4 stars; one submission).

Allele frequency attached by ClinVar (database versions not stated): gnomAD exomes below 0.00001; ExAC 0.00001.
gnomAD v4.1: 2 of 1,613,822 alleles (0.00012%); highest among the groups gnomAD compares: East Asian, 0.0022%; no homozygotes.

Submission:

CeGaT Center for Human Genetics Tuebingen
Classification: Uncertain significance. Last evaluated: 2023-11-01. Review status: criteria provided, single submitter. Criteria: CeGaT Center For Human Genetics Tuebingen Variant Classification Criteria Version 2. Collection method: clinical testing. Allele origin: germline. Affected: yes. Observed: 1 variant allele.
Comment: ATP2B2: PM2, BP4